The following is an entry in ClinVar:

ClinVar aggregate classification (germline): Uncertain significance (1 of 4 stars; one submission).

Allele frequency attached by ClinVar (database versions not stated): gnomAD exomes 0.00001.
gnomAD v4.1: 13 of 1,612,858 alleles (0.00081%); highest among the groups gnomAD compares: Non-Finnish European, 0.00093%; no homozygotes.

Submission:

Ambry Genetics
Classification: Uncertain significance. Last evaluated: 2022-04-08. Review status: criteria provided, single submitter. Criteria: Ambry Variant Classification Scheme 2023. Collection method: clinical testing. Allele origin: germline.
Comment: The p.P1596L variant (also known as c.4787C>T), located in coding exon 16 of the POLQ gene, results from a C to T substitution at nucleotide position 4787. The proline at codon 1596 is replaced by leucine, an amino acid with similar properties. This amino acid position is conserved. In addition, this alteration is predicted to be tolerated by in silico analysis. Since supporting evidence is limited at this time, the clinical significance of this alteration remains unclear.

NM_199420.4(POLQ):c.4787C>T (p.Pro1596Leu)

Gene: POLQ (DNA polymerase theta; minus strand). Cytogenetic location: 3q13.33.
Variant type: single nucleotide variant.
Coding change: c.4787C>T on transcript NM_199420.4 (MANE Select); coding-DNA position 4787, C replaced by T.
Protein change: p.Pro1596Leu; replaces proline 1596 with leucine.
Molecular consequence: missense variant.
Genome position (GRCh38, 1-based): chr3:121,488,144, G>A on the plus strand (C>T on the coding strand, the complement: POLQ is on the minus strand). VCF-style: chr3-121488144-G-A. GRCh37 (hg19) VCF-style: chr3-121206991-G-A.
Other names: short protein forms P1596L.
Identifiers: ClinVar variation 1743069 (VCV001743069.2), dbSNP rs2048029960, ClinGen allele CA354093833.